The following is an entry in ClinVar:

ClinVar aggregate classification (germline): Pathogenic/Likely pathogenic. Review status: criteria provided, multiple submitters, no conflicts (2 of 4 stars). 5 submissions from 5 submitters: Pathogenic (3); Likely pathogenic (1). 1 of the submissions does not count toward it. Last evaluated 2024-11-12.

Conditions:
Hereditary breast ovarian cancer syndrome. Also called: Hereditary breast and ovarian cancer syndrome (HBOC); Breast and ovarian cancer; Hereditary breast and ovarian cancer syndrome; Hereditary breast and ovarian cancer; BRCA1- and BRCA2-Associated Hereditary Breast and Ovarian Cancer; Hereditary breast and/or ovarian cancer syndrome. Identifiers: Orphanet 145, MedGen C0677776, MeSH D061325, MONDO:0003582. Disease mechanism: loss of function.
Breast-ovarian cancer, familial, susceptibility to, 1 (BROVCA1). Also called: BRCA1 Hereditary Breast and Ovarian Cancer; OVARIAN CANCER, SUSCEPTIBILITY TO. Identifiers: Orphanet 145, MedGen C2676676, MONDO:0011450, OMIM 604370. Disease mechanism: loss of function.
Hereditary cancer-predisposing syndrome. Also called: Hereditary Cancer Syndrome; Neoplastic Syndromes, Hereditary; Hereditary neoplastic syndrome; Tumor predisposition. Identifiers: Orphanet 140162, MedGen C0027672, MeSH D009386, MONDO:0015356.

Submissions (6):

German Consortium for Hereditary Breast and Ovarian Cancer, University Hospital Cologne
Classification: Pathogenic for Hereditary breast ovarian cancer syndrome. Last evaluated: 2024-11-12. Review status: criteria provided, single submitter. Criteria: ClinGen BRCA1 V1.1.0. Collection method: curation. Allele origin: germline.
Comment: According to the ClinGen ENIGMA BRCA1 v1.1.0 criteria we chose these criteria: PS1 (medium pathogenic): gleicher AS Austausch wie c.5116G>C, p.(Gly1706Arg), Class 4 (TF-Beschluss 09/2020), PS3 (strong pathogenic): Findlay 2018: LOF (score -2.38) / VCEP Spec. Table 9, PM2 (supporting pathogenic): absent from controls (gnomAD v2+v3), PP3 (supporting pathogenic): BayesDel: 0.389329, PP4 (very strong pathogenic): Caputo et al., AJHG, 2021: Combined (Caputo LR/ACMG LLR) = 2312.62 / 10.57683

Labcorp Genetics (formerly Invitae), Labcorp
Classification: Pathogenic for Hereditary breast ovarian cancer syndrome. Last evaluated: 2020-05-26. Review status: criteria provided, single submitter. Criteria: Invitae Variant Classification Sherloc (09022015). Collection method: clinical testing. Allele origin: germline.
Comment: For these reasons, this variant has been classified as Pathogenic. This variant disrupts the p.Gly1706 amino acid residue in BRCA1. Other variant(s) that disrupt this residue have been determined to be pathogenic (PMID: 15689452, 23867111, 27272900, 15923272, 17308087, 11979449, 17924331). This suggests that this residue is clinically-significant, and that variants that disrupt this residue are likely to be disease-causing. This variant has been reported to affect BRCA1 protein function (PMID: 30209399, 30458859). This variant has been observed in individuals with a personal or family history of breast and/or ovarian cancer (PMID: 25948282, 22144684, 17262179, 27616075). This variant is also known as G602R in the literature. ClinVar contains an entry for this variant (Variation ID: 267221). This variant is not present in population databases (ExAC no frequency). This sequence change replaces glycine with arginine at codon 1706 of the BRCA1 protein (p.Gly1706Arg). The glycine residue is highly conserved and there is a moderate physicochemical difference between glycine and arginine.

Ambry Genetics
Classification: Likely pathogenic for Hereditary cancer-predisposing syndrome. Last evaluated: 2020-04-03. Review status: criteria provided, single submitter. Criteria: Ambry Variant Classification Scheme 2023. Collection method: clinical testing. Allele origin: germline.
Comment: The p.G1706R variant (also known as c.5116G>A), located in coding exon 16 of the BRCA1 gene, results from a G to A substitution at nucleotide position 5116. The glycine at codon 1706 is replaced by arginine, an amino acid with dissimilar properties. This variant has been reported in many individuals diagnosed with breast and/or ovarian cancer (Kraus C et al. Int. J. Cancer. 2017 Jan;140:95-102; Wu X et al. Int. J. Gynecol. Cancer. 2017 10;27:1650-1657; Bhaskaran SP et al. Int. J. Cancer. 2019 08;145:962-973; Gao X et al. Hum. Mutat. 2020 Mar;41:696-708). One functional study found that this nucleotide substitution is deleterious in a high throughput genome editing haploid cell survival assay (Findlay GM et al. Nature. 2018 10;562:217-222). Another study utilizing a dual luciferase TA activity assay showed that this variant had a complete lack of transactivation activity (Langerud J et al. Hum. Genomics. 2018 11;12:51). This amino acid position is highly conserved in available vertebrate species. In addition, this alteration is predicted to be deleterious by in silico analysis. Based on the majority of available evidence to date, this variant is likely to be pathogenic.

UOSD Diagnostica Molecolare E Genomica, Irccs Policlinico Agostino Gemelli
Classification: Pathogenic for Breast-ovarian cancer, familial, susceptibility to, 1. Last evaluated: 2015-02-05. Review status: criteria provided, single submitter. Criteria: ACMG Guidelines, 2015. Collection method: phenotyping only. Allele origin: germline. Inheritance: Autosomal dominant inheritance. Affected: yes. Observed: 2 variant alleles, 2 heterozygotes.
Comment: We underline that this variant, classified as likely pathogenic, must be classified as pathogenic variant. We found this variant in two unrelated patients with familial ovarian and breast cancers.

Brotman Baty Institute, University of Washington
No classification provided (evidence only). Condition: Breast-ovarian cancer, familial 1. Review status: no classification provided. Collection method: in vitro. Allele origin: not applicable. Functional consequence: functionally_abnormal. Not counted in ClinVar's aggregate classification.
ClinVar note: "not provided" was previously submitted as the classification for the variant. However, the classification appeared to be based only on an observation of functional data so it was converted to no classification on 2025-07-30.

Department of Pathology and Laboratory Medicine, Sinai Health System
Classification: Likely pathogenic. Review status: no assertion criteria provided. Collection method: clinical testing. Allele origin: unknown. Affected: yes. Study: The Canadian Open Genetics Repository (COGR). Not counted in ClinVar's aggregate classification.
Comment: The p.Gly1706Arg variant was not identified in the dbSNP, NHLBI Exome Sequencing Project (Exome Variant Server), Exome Aggregation Consortium (ExAC), HGMD, LOVD, COSMIC, ClinVar, GeneInsight VariantWire, or BIC; nor was it identified by our laboratory. The variant was identified in UMD (10X as a causal variant) and in the Breast Cancer IARC. The p.Gly1706 residue is conserved across mammals and lower organisms, and four out of five computational analyses (PolyPhen-2, SIFT, AlignGVGD, MutationTaster) suggest that the p.Gly1706Arg (Arginine) variant may impact the protein. However, this information is not predictive enough to assume pathogenicity. The p.Gly1706Arg variant occurs outside of the splicing consensus sequence but 4 of 5 in silico or computational prediction software programs (SpliceSiteFinder, MaxEntScan, NNSPLICE, GeneSplicer, HumanSpliceFinder) predict a greater than 10% difference in splicing; however, this is not very predictive of pathogenicity. The p.Gly1706Arg variant is located in BRCT domains and the glycine 1706 residue maps to helix Ã”Ã…Â°2. Functional and structural studies (Karchin 2007, Carvalho 2007) that applied prediction algorithms demonstrated that the hydrophobic core is disrupted in the 1706 Arginine. Functional and structural studies classified the Gly1706Arg variant as deleterious (Carvalho 2007) and as causal (Karchin 2007) by all prediction algorithms (SIFT, UMD-Predictor, Align-GVGD, PolyPhen). In summary, based on the above information, the clinical significance of this variant cannot be determined with certainty at this time although we would lean towards a more pathogenic role for this variant. This variant is classified as predicted pathogenic.

Literature cited by the submitters: PubMed 15689452 (cited by Labcorp Genetics (formerly Invitae), Labcorp); PubMed 23867111 (cited by Labcorp Genetics (formerly Invitae), Labcorp); PubMed 27272900 (cited by Labcorp Genetics (formerly Invitae), Labcorp); PubMed 15923272 (cited by Labcorp Genetics (formerly Invitae), Labcorp); PubMed 17308087 (cited by Labcorp Genetics (formerly Invitae), Labcorp); PubMed 11979449 (cited by Labcorp Genetics (formerly Invitae), Labcorp); PubMed 17924331 (cited by Labcorp Genetics (formerly Invitae), Labcorp); PubMed 30209399 (cited by Labcorp Genetics (formerly Invitae), Labcorp and Ambry Genetics); PubMed 30458859 (cited by Labcorp Genetics (formerly Invitae), Labcorp and Ambry Genetics); PubMed 25948282 (cited by Labcorp Genetics (formerly Invitae), Labcorp); PubMed 22144684 (cited by Labcorp Genetics (formerly Invitae), Labcorp); PubMed 17262179 (cited by Labcorp Genetics (formerly Invitae), Labcorp); PubMed 27616075 (cited by Labcorp Genetics (formerly Invitae), Labcorp and Ambry Genetics); PubMed 28692638 (cited by Ambry Genetics); PubMed 30702160 (cited by Ambry Genetics); PubMed 31825140 (cited by Ambry Genetics).

NM_007294.4(BRCA1):c.5116G>A (p.Gly1706Arg)

Gene: BRCA1 (BRCA1 DNA repair associated; minus strand). Cytogenetic location: 17q21.31.
Variant type: single nucleotide variant.
Coding change: c.5116G>A on transcript NM_007294.4 (MANE Select); coding-DNA position 5116, G replaced by A.
Protein change: p.Gly1706Arg; replaces glycine 1706 with arginine.
Molecular consequence: missense variant. On other transcripts: non-coding transcript variant (1).
Genome position (GRCh38, 1-based): chr17:43,063,910, C>T on the plus strand (G>A on the coding strand, the complement: BRCA1 is on the minus strand). VCF-style: chr17-43063910-C-T. GRCh37 (hg19) VCF-style: chr17-41215927-C-T.
Other names: c.4903G>A, p.Gly1635Arg (NM_001407571.1, NM_001407894.1, NM_001407895.1 and 12 more transcripts); c.5182G>A, p.Gly1728Arg (NM_001407581.1, NM_001407582.1); c.5179G>A, p.Gly1727Arg (NM_001407583.1, NM_001407585.1, NM_001407587.1 and 1 more transcripts); c.5176G>A, p.Gly1726Arg (NM_001407590.1, NM_001407591.1); c.5116G>A, p.Gly1706Arg (NM_001407593.1, NM_001407594.1, NM_001407596.1 and 7 more transcripts); c.5113G>A, p.Gly1705Arg (NM_001407617.1, NM_001407618.1, NM_001407619.1 and 17 more transcripts); c.5110G>A, p.Gly1704Arg (NM_001407636.1, NM_001407637.1, NM_001407638.1 and 14 more transcripts); c.5107G>A, p.Gly1703Arg (NM_001407644.1, NM_001407645.1); and 71 more; short protein forms G1706R, G1659R, G1727R, G602R, G1537R, G1579R, G1593R, G1634R.
Identifiers: ClinVar variation 267221 (VCV000267221.20), dbSNP rs886040864, ClinGen allele CA10590060.